The following is an entry in ClinVar:

ClinVar aggregate classification (germline): Uncertain significance (1 of 4 stars; one submission).

Conditions:
Hereditary cancer-predisposing syndrome. Also called: Tumor predisposition; Neoplastic Syndromes, Hereditary; Hereditary neoplastic syndrome; Hereditary Cancer Syndrome. Identifiers: Orphanet 140162, MedGen C0027672, MeSH D009386, MONDO:0015356.

Submission:

Labcorp Genetics (formerly Invitae), Labcorp
Classification: Uncertain significance for Hereditary cancer-predisposing syndrome. Last evaluated: 2022-03-13. Review status: criteria provided, single submitter. Criteria: Invitae Variant Classification Sherloc (09022015). Collection method: clinical testing. Allele origin: germline.
Comment: This sequence change replaces glutamine, which is neutral and polar, with proline, which is neutral and non-polar, at codon 755 of the RAD50 protein (p.Gln755Pro). This variant is not present in population databases (gnomAD no frequency). This variant has not been reported in the literature in individuals affected with RAD50-related conditions. ClinVar contains an entry for this variant (Variation ID: 849709). Algorithms developed to predict the effect of missense changes on protein structure and function are either unavailable or do not agree on the potential impact of this missense change (SIFT: "Deleterious"; PolyPhen-2: "Possibly Damaging"; Align-GVGD: "Class C0"). In summary, the available evidence is currently insufficient to determine the role of this variant in disease. Therefore, it has been classified as a Variant of Uncertain Significance.

NM_005732.4(RAD50):c.2264A>C (p.Gln755Pro)

Gene: RAD50 (RAD50 double strand break repair protein; plus strand). Cytogenetic location: 5q31.1.
Variant type: single nucleotide variant.
Coding change: c.2264A>C on transcript NM_005732.4 (MANE Select); coding-DNA position 2264, A replaced by C.
Protein change: p.Gln755Pro; replaces glutamine 755 with proline.
Molecular consequence: missense variant.
Genome position (GRCh38, 1-based): chr5:132,603,356, A>C. VCF-style: chr5-132603356-A-C. GRCh37 (hg19) VCF-style: chr5-131939048-A-C.
Other names: short protein forms Q755P.
Identifiers: ClinVar variation 849709 (VCV000849709.10), dbSNP rs753305114, ClinGen allele CA360954138.